The following is an entry in ClinVar:

ClinVar aggregate classification (germline): Uncertain significance (1 of 4 stars; one submission).

Conditions:
Mosaic variegated aneuploidy syndrome 1 (MVA1). Also called: Warburton-Anyane-Yeboa syndrome. Identifiers: Orphanet 1052, MedGen C1850343, MONDO:0009759, OMIM 257300.

Allele frequency attached by ClinVar (database versions not stated): gnomAD exomes below 0.00001.
gnomAD v4.1: 1 of 1,614,066 alleles (0.000062%); highest among the groups gnomAD compares: African/African-American, 0.0013%; no homozygotes.

Submission:

Labcorp Genetics (formerly Invitae), Labcorp
Classification: Uncertain significance for Mosaic variegated aneuploidy syndrome 1. Last evaluated: 2022-10-18. Review status: criteria provided, single submitter. Criteria: Invitae Variant Classification Sherloc (09022015). Collection method: clinical testing. Allele origin: germline.
Comment: This sequence change replaces glutamine, which is neutral and polar, with arginine, which is basic and polar, at codon 1050 of the BUB1B protein (p.Gln1050Arg). This variant is not present in population databases (gnomAD no frequency). This variant has not been reported in the literature in individuals affected with BUB1B-related conditions. Algorithms developed to predict the effect of missense changes on protein structure and function (SIFT, PolyPhen-2, Align-GVGD) all suggest that this variant is likely to be tolerated. In summary, the available evidence is currently insufficient to determine the role of this variant in disease. Therefore, it has been classified as a Variant of Uncertain Significance.

NM_001211.6(BUB1B):c.3149A>G (p.Gln1050Arg)

Genes: BUB1B (BUB1 mitotic checkpoint serine/threonine kinase B; plus strand), BUB1B-PAK6 (BUB1B-PAK6 readthrough; plus strand). Cytogenetic location: 15q15.1.
Variant type: single nucleotide variant.
Coding change: c.3149A>G on transcript NM_001211.6 (MANE Select); coding-DNA position 3149, A replaced by G.
Protein change: p.Gln1050Arg; replaces glutamine 1050 with arginine.
Molecular consequence: missense variant. On other transcripts: intron variant (2).
Genome position (GRCh38, 1-based): chr15:40,220,755, A>G. VCF-style: chr15-40220755-A-G. GRCh37 (hg19) VCF-style: chr15-40512956-A-G.
Other names: c.-201+3088A>G (NM_001128628.3); c.-118+3088A>G (NM_001128629.3); short protein forms Q1050R.
Identifiers: ClinVar variation 1941928 (VCV001941928.5), dbSNP rs2542594528, ClinGen allele CA391690649.